The following is an entry in ClinVar:

ClinVar aggregate classification (germline): Likely benign. Review status: criteria provided, multiple submitters, no conflicts (2 of 4 stars). 2 submissions from 2 submitters: Likely benign (2). Last evaluated 2025-09-02.

Conditions:
Emery-Dreifuss muscular dystrophy 4, autosomal dominant (EDMD4). Also called: EMERY-DREIFUSS MUSCULAR DYSTROPHY 4 WITH VARIABLE FEATURES. Identifiers: Orphanet 261, MedGen C2751807, MONDO:0013071, OMIM 612998.
Autosomal recessive ataxia, Beauce type. Also called: SYNE1 Deficiency; Spinocerebellar ataxia, autosomal recessive 8; ATAXIA, RECESSIVE, OF BEAUCE; SYNE1-Related Autosomal Recessive Cerebellar Ataxia. Identifiers: Orphanet 88644, MedGen C1853116, MONDO:0012549, OMIM 610743.

Allele frequency attached by ClinVar (database versions not stated): gnomAD exomes 0.00001 and 0.00005; TOPMed 0.00001; gnomAD 0.00002.

Submissions (2):

Labcorp Genetics (formerly Invitae), Labcorp
Classification: Likely benign for Emery-Dreifuss muscular dystrophy 4, autosomal dominant; Autosomal recessive ataxia, Beauce type. Last evaluated: 2025-09-02. Review status: criteria provided, single submitter. Criteria: Invitae Variant Classification Sherloc (09022015). Collection method: clinical testing. Allele origin: germline.

GeneDx
Classification: Likely benign. Last evaluated: 2017-12-08. Review status: criteria provided, single submitter. Criteria: GeneDx Variant Classification (06012015). Collection method: clinical testing. Allele origin: germline. Affected: yes.
Comment: This variant is considered likely benign or benign based on one or more of the following criteria: it is a conservative change, it occurs at a poorly conserved position in the protein, it is predicted to be benign by multiple in silico algorithms, and/or has population frequency not consistent with disease.

NM_182961.4(SYNE1):c.17850+19del

Gene: SYNE1 (spectrin repeat containing nuclear envelope protein 1; minus strand). Cytogenetic location: 6q25.2.
Variant type: Deletion.
Coding change: c.17850+19del on transcript NM_182961.4 (MANE Select); 19 bases into the intron after coding-DNA position 17850, one base deleted (C; older notation c.17850+19delC).
Molecular consequence: intron variant.
Genome position (GRCh38, 1-based): chr6:152,293,941, G deleted on the plus strand (C on the coding strand, the reverse complement: SYNE1 is on the minus strand). VCF-style (leftmost placement, unchanged base first): chr6-152293940-AG-A. GRCh37 (hg19) VCF-style: chr6-152615075-AG-A.
Other names: c.17637+19delC (NM_033071.3); c.17637+19del (NM_033071.5).
Identifiers: ClinVar variation 513859 (VCV000513859.8), dbSNP rs1362611063, ClinGen allele CA571437767.